The following is an entry in ClinVar:

ClinVar aggregate classification (germline): Uncertain significance (1 of 4 stars; one submission).

Conditions:
Early-infantile DEE. Also called: Early infantile epileptic encephalopathy; Ohtahara syndrome; Early infantile epileptic encephalopathy with suppression bursts. Identifiers: Orphanet 1934, MedGen C0393706, MONDO:0800491.

Submission:

Labcorp Genetics (formerly Invitae), Labcorp
Classification: Uncertain significance for Early-infantile DEE. Last evaluated: 2019-05-04. Review status: criteria provided, single submitter. Criteria: Invitae Variant Classification Sherloc (09022015). Collection method: clinical testing. Allele origin: germline.
Comment: This sequence change replaces glutamic acid with lysine at codon 436 of the HCN1 protein (p.Glu436Lys). The glutamic acid residue is highly conserved and there is a small physicochemical difference between glutamic acid and lysine. This variant is not present in population databases (ExAC no frequency). This variant has not been reported in the literature in individuals with HCN1-related conditions. Algorithms developed to predict the effect of missense changes on protein structure and function are either unavailable or do not agree on the potential impact of this missense change (SIFT: "Deleterious"; PolyPhen-2: "Benign"; Align-GVGD: "Class C55"). In summary, the available evidence is currently insufficient to determine the role of this variant in disease. Therefore, it has been classified as a Variant of Uncertain Significance.

NM_021072.4(HCN1):c.1306G>A (p.Glu436Lys)

Gene: HCN1 (hyperpolarization activated cyclic nucleotide gated potassium channel 1; minus strand). Cytogenetic location: 5p12.
Variant type: single nucleotide variant.
Coding change: c.1306G>A on transcript NM_021072.4 (MANE Select); coding-DNA position 1306, G replaced by A.
Protein change: p.Glu436Lys; replaces glutamic acid 436 with lysine.
Molecular consequence: missense variant.
Genome position (GRCh38, 1-based): chr5:45,353,171, C>T on the plus strand (G>A on the coding strand, the complement: HCN1 is on the minus strand). VCF-style: chr5-45353171-C-T. GRCh37 (hg19) VCF-style: chr5-45353273-C-T.
Other names: short protein forms E436K.
Identifiers: ClinVar variation 952380 (VCV000952380.10), dbSNP rs1746946756, ClinGen allele CA359702119.